The following is an entry in ClinVar:

NM_000436.4(OXCT1):c.480G>T (p.Gly160=)

Gene: OXCT1 (3-oxoacid CoA-transferase 1; minus strand). Cytogenetic location: 5p13.1.
Variant type: single nucleotide variant.
Coding change: c.480G>T on transcript NM_000436.4 (MANE Select); coding-DNA position 480, G replaced by T.
Protein change: p.Gly160=; no amino-acid change (glycine 160 retained).
Molecular consequence: synonymous variant. On other transcripts: non-coding transcript variant (1).
Genome position (GRCh38, 1-based): chr5:41,850,114, C>A on the plus strand (G>T on the coding strand, the complement: OXCT1 is on the minus strand). VCF-style: chr5-41850114-C-A. GRCh37 (hg19) VCF-style: chr5-41850216-C-A.
Other names: c.501G>T, p.Gly167= (NM_001364299.2, NM_001364300.2); c.480G>T, p.Gly160= (NM_001364301.2, NM_001364302.2).
Identifiers: ClinVar variation 167411 (VCV000167411.24), dbSNP rs78432029, ClinGen allele CA180262.
Genomic context (GRCh38, chr5:41,850,114, plus strand): 5'-AACACTGCCATCTTTGTTGTATTTGATGGGCGATCCTCCTTCTTGTACCAGGGTCCCATA[C>A]CCTGTTGGGGTGTAAAATGCAGGAACTCCAGCCCCGCCTGCACGGATCCTCTCTGCAAGT-3'
Protein context (NP_000427.1, residues 150-170): AGVPAFYTPT[Gly160=]YGTLVQEGGS

ClinVar aggregate classification (germline): Benign. Review status: criteria provided, multiple submitters, no conflicts (2 of 4 stars). 6 submissions from 6 submitters: Benign (5). 1 of the submissions does not count toward it. Last evaluated 2026-01-27.

Conditions:
Succinyl-CoA acetoacetate transferase deficiency (SCOTD). Also called: SUCCINYL-CoA:3-KETOACID CoA-TRANSFERASE DEFICIENCY; Succinyl CoA:3-oxoacid CoA transferase deficiency; 3-Oxoacid CoA Transferase Deficiency; KETOACIDOSIS DUE TO SCOT DEFICIENCY; SCOT DEFICIENCY. Identifiers: Orphanet 832, MedGen C0342792, MONDO:0009492, OMIM 245050.

Allele frequency attached by ClinVar (database versions not stated): gnomAD 0.01211; TOPMed 0.01383; ESP Exome Variant Server 0.01407; 1000 Genomes Project 0.01597; 1000 Genomes Project 30x 0.01858.
gnomAD v4.1: 5,734 of 1,613,900 alleles (0.36%); highest among the groups gnomAD compares: African/African-American, 3.7%; 71 homozygotes.

Submissions (13):

Labcorp Genetics (formerly Invitae), Labcorp
Classification: Benign for Succinyl-CoA acetoacetate transferase deficiency. Last evaluated: 2026-01-27. Review status: criteria provided, single submitter. Criteria: Invitae Variant Classification Sherloc (09022015). Collection method: clinical testing. Allele origin: germline.

ARUP Laboratories, Molecular Genetics and Genomics, ARUP Laboratories
Classification: Benign for Succinyl-CoA acetoacetate transferase deficiency. Last evaluated: 2023-09-22. Review status: criteria provided, single submitter. Criteria: ARUP Molecular Germline Variant Investigation Process 2024. Collection method: clinical testing. Allele origin: germline.

Illumina Laboratory Services, Illumina
Classification: Benign for Succinyl-CoA acetoacetate transferase deficiency. Last evaluated: 2018-01-13. Review status: criteria provided, single submitter. Criteria: ICSL Variant Classification Criteria 13 December 2019. Collection method: clinical testing. Allele origin: germline.
Comment: This variant was observed in the ICSL laboratory as part of a predisposition screen in an ostensibly healthy population. It had not been previously curated by ICSL or reported in the Human Gene Mutation Database (HGMD: prior to June 1st, 2018), and was therefore a candidate for classification through an automated scoring system. Utilizing variant allele frequency, disease prevalence and penetrance estimates, and inheritance mode, an automated score was calculated to assess if this variant is too frequent to cause the disease. Based on the score and internal cut-off values, a variant classified as benign is not then subjected to further curation. The score for this variant resulted in a classification of benign for this disease.

Eurofins Ntd Llc (ga)
Classification: Benign. Last evaluated: 2014-03-24. Review status: criteria provided, single submitter. Criteria: EGL Classification Definitions 2015. Collection method: clinical testing. Allele origin: germline. Observed: 2 variant alleles, 2 heterozygotes.

Breakthrough Genomics
Classification: Benign. Review status: criteria provided, single submitter. Criteria: ACMG Guidelines, 2015. Collection method: not provided. Allele origin: germline. Inheritance: Autosomal recessive inheritance. Affected: yes.

Mayo Clinic Laboratories, Mayo Clinic
Classification: Likely benign. Last evaluated: 2016-03-14. Review status: no assertion criteria provided. Collection method: clinical testing. Allele origin: unknown. Not counted in ClinVar's aggregate classification.

Dr. Peter K. Rogan Lab, Western University
No classification provided (evidence only). Condition: Clear cell carcinoma of kidney. Review status: no classification provided. Collection method: in vitro. Allele origin: not applicable. Functional consequence: retained intron. Not counted in ClinVar's aggregate classification.

Dr. Peter K. Rogan Lab, Western University
No classification provided (evidence only). Condition: Clear cell carcinoma of kidney. Review status: no classification provided. Collection method: in vitro. Allele origin: not applicable. Functional consequence: retained intron. Not counted in ClinVar's aggregate classification.

Dr. Peter K. Rogan Lab, Western University
No classification provided (evidence only). Condition: Sarcoma. Review status: no classification provided. Collection method: in vitro. Allele origin: not applicable. Functional consequence: retained intron. Not counted in ClinVar's aggregate classification.

Dr. Peter K. Rogan Lab, Western University
No classification provided (evidence only). Condition: Thymoma. Review status: no classification provided. Collection method: in vitro. Allele origin: not applicable. Functional consequence: retained intron. Not counted in ClinVar's aggregate classification.

Dr. Peter K. Rogan Lab, Western University
No classification provided (evidence only). Condition: Ovarian serous cystadenocarcinoma. Review status: no classification provided. Collection method: in vitro. Allele origin: not applicable. Functional consequence: retained intron. Not counted in ClinVar's aggregate classification.

Dr. Peter K. Rogan Lab, Western University
No classification provided (evidence only). Condition: Gastric cancer. Review status: no classification provided. Collection method: in vitro. Allele origin: not applicable. Functional consequence: retained intron. Not counted in ClinVar's aggregate classification.

Dr. Peter K. Rogan Lab, Western University
No classification provided (evidence only). Condition: Adrenocortical carcinoma, hereditary. Review status: no classification provided. Collection method: in vitro. Allele origin: not applicable. Functional consequence: retained intron. Not counted in ClinVar's aggregate classification.